The following is an entry in ClinVar:

ClinVar aggregate classification (germline): Conflicting classifications of pathogenicity. Review status: criteria provided, conflicting classifications (1 of 4 stars). 4 submissions from 4 submitters: Uncertain significance (1); Benign (1); Likely benign (2). Last evaluated 2026-05-01.

Conditions:
CHARGE syndrome (CHARGE). Also called: Hittner Hirsch Kreh syndrome; Coloboma, heart anomaly, choanal atresia, retardation, genital and ear anomalies; CHARGE association; Hall-Hittner syndrome; CHARGE ASSOCIATION--COLOBOMA, HEART ANOMALY, CHOANAL ATRESIA, RETARDATION, GENITAL AND EAR ANOMALIES. Identifiers: Orphanet 138, MedGen C0265354, MONDO:0008965.

Allele frequency attached by ClinVar (database versions not stated): TOPMed 0.00002; ExAC 0.00003; gnomAD 0.00003; gnomAD exomes 0.00004 and 0.00006; 1000 Genomes Project 30x 0.00031; 1000 Genomes Project 0.00040.
gnomAD v4.1: 87 of 1,612,296 alleles (0.0054%); highest among the groups gnomAD compares: Middle Eastern, 0.033%; no homozygotes.

Submissions (4):

CeGaT Center for Human Genetics Tuebingen
Classification: Likely benign. Last evaluated: 2026-05-01. Review status: criteria provided, single submitter. Criteria: CeGaT Center For Human Genetics Tuebingen Variant Classification Criteria Version 2. Collection method: clinical testing. Allele origin: germline. Affected: yes. Observed: 3 variant alleles.
Comment: CHD7: PP3, BS2

Labcorp Genetics (formerly Invitae), Labcorp
Classification: Benign for CHARGE syndrome. Last evaluated: 2026-01-05. Review status: criteria provided, single submitter. Criteria: Invitae Variant Classification Sherloc (09022015). Collection method: clinical testing. Allele origin: germline.

GeneDx
Classification: Uncertain significance. Last evaluated: 2025-08-09. Review status: criteria provided, single submitter. Criteria: GeneDx Variant Classification Process June 2021. Collection method: clinical testing. Allele origin: germline. Affected: yes.
Comment: Reported in an individual with congenital heart defects and cleft lip (PMID: 30896870); In silico analysis supports that this missense variant has a deleterious effect on protein structure/function; This variant is associated with the following publications: (PMID: 33057194, 35982159, 30896870, 30498080)

Blueprint Genetics
Classification: Likely benign. Last evaluated: 2024-10-04. Review status: criteria provided, single submitter. Criteria: ACMG Guidelines, 2015. Collection method: clinical testing. Allele origin: germline.

NM_017780.4(CHD7):c.4894C>T (p.Arg1632Cys)

Gene: CHD7 (chromodomain helicase DNA binding protein 7; plus strand). Cytogenetic location: 8q12.2.
Variant type: single nucleotide variant.
Coding change: c.4894C>T on transcript NM_017780.4 (MANE Select); coding-DNA position 4894, C replaced by T.
Protein change: p.Arg1632Cys; replaces arginine 1632 with cysteine.
Molecular consequence: missense variant. On other transcripts: intron variant (1).
Genome position (GRCh38, 1-based): chr8:60,844,907, C>T. VCF-style: chr8-60844907-C-T. GRCh37 (hg19) VCF-style: chr8-61757466-C-T.
Other names: c.1717-17322C>T (NM_001316690.1); c.4894C>T (NM_017780.2); short protein forms R1632C.
Identifiers: ClinVar variation 963343 (VCV000963343.15), dbSNP rs545545721, ClinGen allele CA4760228.